The following is an entry in ClinVar:

ClinVar aggregate classification (germline): Uncertain significance (1 of 4 stars; one submission).

Conditions:
Left ventricular noncompaction 8 (LVNC8). Identifiers: Orphanet 154, Orphanet 54260, MedGen C3809288, MONDO:0014152, OMIM 615373.

Allele frequency attached by ClinVar (database versions not stated): gnomAD exomes below 0.00001.
gnomAD v4.1: 1 of 1,613,852 alleles (0.000062%); highest among the groups gnomAD compares: African/African-American, 0.0013%; no homozygotes.

Submission:

Labcorp Genetics (formerly Invitae), Labcorp
Classification: Uncertain significance for Left ventricular noncompaction 8. Last evaluated: 2025-07-02. Review status: criteria provided, single submitter. Criteria: Invitae Variant Classification Sherloc (09022015). Collection method: clinical testing. Allele origin: germline.
Comment: This sequence change replaces methionine, which is neutral and non-polar, with lysine, which is basic and polar, at codon 711 of the PRDM16 protein (p.Met711Lys). This variant is not present in population databases (gnomAD no frequency). This variant has not been reported in the literature in individuals affected with PRDM16-related conditions. ClinVar contains an entry for this variant (Variation ID: 1449257). An algorithm developed to predict the effect of missense changes on protein structure and function (PolyPhen-2) suggests that this variant is likely to be tolerated. In summary, the available evidence is currently insufficient to determine the role of this variant in disease. Therefore, it has been classified as a Variant of Uncertain Significance.

NM_022114.4(PRDM16):c.2132T>A (p.Met711Lys)

Gene: PRDM16 (PR/SET domain 16; plus strand). Cytogenetic location: 1p36.32.
Variant type: single nucleotide variant.
Coding change: c.2132T>A on transcript NM_022114.4 (MANE Select); coding-DNA position 2132, T replaced by A.
Protein change: p.Met711Lys; replaces methionine 711 with lysine.
Molecular consequence: missense variant.
Genome position (GRCh38, 1-based): chr1:3,412,329, T>A. VCF-style: chr1-3412329-T-A. GRCh37 (hg19) VCF-style: chr1-3328893-T-A.
Other names: c.2132T>A, p.Met711Lys (NM_199454.3); short protein forms M711K.
Identifiers: ClinVar variation 1449257 (VCV001449257.4), dbSNP rs2100664117, ClinGen allele CA337999739.